The following is an entry in ClinVar:

ClinVar aggregate classification (germline): Uncertain significance. Review status: criteria provided, multiple submitters, no conflicts (2 of 4 stars). 2 submissions from 2 submitters: Uncertain significance (2). Last evaluated 2026-01-05.

Conditions:
Inborn genetic diseases. Identifiers: MedGen C0950123, MeSH D030342.

Allele frequency attached by ClinVar (database versions not stated): gnomAD 0.00005; TOPMed 0.00005; ExAC 0.00004.
gnomAD v4.1: 63 of 1,614,030 alleles (0.0039%); highest among the groups gnomAD compares: South Asian, 0.014%; no homozygotes.

Submissions (2):

Labcorp Genetics (formerly Invitae), Labcorp
Classification: Uncertain significance. Last evaluated: 2026-01-05. Review status: criteria provided, single submitter. Criteria: Invitae Variant Classification Sherloc (09022015). Collection method: clinical testing. Allele origin: germline.
Comment: This sequence change replaces threonine, which is neutral and polar, with methionine, which is neutral and non-polar, at codon 401 of the KRT9 protein (p.Thr401Met). This variant is present in population databases (rs780497214, gnomAD 0.02%). This variant has not been reported in the literature in individuals affected with KRT9-related conditions. ClinVar contains an entry for this variant (Variation ID: 3009954). Invitae Evidence Modeling of protein sequence and biophysical properties (such as structural, functional, and spatial information, amino acid conservation, physicochemical variation, residue mobility, and thermodynamic stability) indicates that this missense variant is not expected to disrupt KRT9 protein function with a negative predictive value of 95%. In summary, the available evidence is currently insufficient to determine the role of this variant in disease. Therefore, it has been classified as a Variant of Uncertain Significance.

Ambry Genetics
Classification: Uncertain significance for Inborn genetic diseases. Last evaluated: 2023-12-21. Review status: criteria provided, single submitter. Criteria: Ambry Variant Classification Scheme 2023. Collection method: clinical testing. Allele origin: germline.

NM_000226.4(KRT9):c.1202C>T (p.Thr401Met)

Gene: KRT9 (keratin 9; minus strand). Cytogenetic location: 17q21.2.
Variant type: single nucleotide variant.
Coding change: c.1202C>T on transcript NM_000226.4 (MANE Select); coding-DNA position 1202, C replaced by T.
Protein change: p.Thr401Met; replaces threonine 401 with methionine.
Molecular consequence: missense variant.
Genome position (GRCh38, 1-based): chr17:41,568,354, G>A on the plus strand (C>T on the coding strand, the complement: KRT9 is on the minus strand). VCF-style: chr17-41568354-G-A. GRCh37 (hg19) VCF-style: chr17-39724606-G-A.
Other names: c.1202C>T (NM_000226.3); short protein forms T401M.
Identifiers: ClinVar variation 3009954 (VCV003009954.4), dbSNP rs780497214, ClinGen allele CA8562003.